The following is an entry in ClinVar:

NM_005263.5(GFI1):c.754G>C (p.Gly252Arg)

Gene: GFI1 (growth factor independent 1 transcriptional repressor; minus strand). Cytogenetic location: 1p22.1.
Variant type: single nucleotide variant.
Coding change: c.754G>C on transcript NM_005263.5 (MANE Select); coding-DNA position 754, G replaced by C.
Protein change: p.Gly252Arg; replaces glycine 252 with arginine.
Molecular consequence: missense variant.
Genome position (GRCh38, 1-based): chr1:92,480,633, C>G on the plus strand (G>C on the coding strand, the complement: GFI1 is on the minus strand). VCF-style: chr1-92480633-C-G. GRCh37 (hg19) VCF-style: chr1-92946190-C-G.
Other names: c.754G>C, p.Gly252Arg (NM_001127215.3, NM_001127216.3); short protein forms G252R.
Identifiers: ClinVar variation 3853698 (VCV003853698.1).
Genomic context (GRCh38, chr1:92,480,633, plus strand): 5'-GGCGAGGTGGTGAGCTCGGGAGCCTCACCTTGCTGCACTTGATGCACTTGTAGGAGCCGC[C>G]GCCCAGCAGCAGGCGGGTGCACAGCAGCTCCGACTCCACCTTGACGCCAGCGCCCTTGTC-3'
Protein context (NP_005254.2, residues 242-262): ELLCTRLLLG[Gly252Arg]GSYKCIKCSK

ClinVar aggregate classification (germline): Uncertain significance (1 of 4 stars; one submission).

gnomAD v4.1: 1 of 1,582,692 alleles (0.000063%); highest among the groups gnomAD compares: Non-Finnish European, 0.000085%; no homozygotes.

Submission:

Ambry Genetics
Classification: Uncertain significance. Last evaluated: 2025-01-25. Review status: criteria provided, single submitter. Criteria: Ambry Variant Classification Scheme 2023. Collection method: clinical testing. Allele origin: germline.
Comment: The p.G252R variant (also known as c.754G>C), located in coding exon 3 of the GFI1 gene, results from a G to C substitution at nucleotide position 754. The glycine at codon 252 is replaced by arginine, an amino acid with dissimilar properties. This amino acid position is conserved. In addition, this alteration is predicted to be tolerated by in silico analysis. Based on the available evidence, the clinical significance of this variant remains unclear.